The following is an entry in ClinVar:

ClinVar aggregate classification (germline): Uncertain significance. Review status: criteria provided, multiple submitters, no conflicts (2 of 4 stars). 4 submissions from 4 submitters: Uncertain significance (4). Last evaluated 2026-01-23.

Conditions:
LAT-related disorder. Also called: LAT-related condition.

Allele frequency attached by ClinVar (database versions not stated): ExAC 0.00007; ESP Exome Variant Server 0.00008; gnomAD exomes 0.00008 and 0.00010; gnomAD 0.00013; TOPMed 0.00015.
gnomAD v4.1: 141 of 1,610,404 alleles (0.0088%); highest among the groups gnomAD compares: Middle Eastern, 0.12%; 2 homozygotes.

Submissions (4):

Labcorp Genetics (formerly Invitae), Labcorp
Classification: Uncertain significance. Last evaluated: 2026-01-23. Review status: criteria provided, single submitter. Criteria: Invitae Variant Classification Sherloc (09022015). Collection method: clinical testing. Allele origin: germline.
Comment: This sequence change replaces alanine, which is neutral and non-polar, with valine, which is neutral and non-polar, at codon 183 of the LAT protein (p.Ala183Val). This variant is present in population databases (rs138166678, gnomAD 0.03%). This variant has not been reported in the literature in individuals affected with LAT-related conditions. ClinVar contains an entry for this variant (Variation ID: 1392238). An algorithm developed to predict the effect of missense changes on protein structure and function outputs the following: PolyPhen-2: "Benign". The valine amino acid residue is found in multiple mammalian species, which suggests that this missense change does not adversely affect protein function. In summary, the available evidence is currently insufficient to determine the role of this variant in disease. Therefore, it has been classified as a Variant of Uncertain Significance.

Ambry Genetics
Classification: Uncertain significance. Last evaluated: 2025-04-08. Review status: criteria provided, single submitter. Criteria: Ambry Variant Classification Scheme 2023. Collection method: clinical testing. Allele origin: germline.

PreventionGenetics, part of Exact Sciences
Classification: Uncertain significance for LAT-related condition. Last evaluated: 2024-11-23. Review status: criteria provided, single submitter. Criteria: ACMG Guidelines, 2015. Collection method: clinical testing. Allele origin: germline.
Comment: The LAT c.548C>T variant is predicted to result in the amino acid substitution p.Ala183Val. To our knowledge, this variant has not been reported in the literature. This variant is reported in 0.023% of alleles in individuals of Latino descent in gnomAD. At this time, the clinical significance of this variant is uncertain due to the absence of conclusive functional and genetic evidence.

Blueprint Genetics
Classification: Uncertain significance. Last evaluated: 2024-08-16. Review status: criteria provided, single submitter. Criteria: ACMG Guidelines, 2015. Collection method: clinical testing. Allele origin: germline.

NM_001014987.2(LAT):c.548C>T (p.Ala183Val)

Gene: LAT (linker for activation of T cells; plus strand). Cytogenetic location: 16p11.2.
Variant type: single nucleotide variant.
Coding change: c.548C>T on transcript NM_001014987.2 (MANE Select); coding-DNA position 548, C replaced by T.
Protein change: p.Ala183Val; replaces alanine 183 with valine.
Molecular consequence: missense variant.
Genome position (GRCh38, 1-based): chr16:28,989,581, C>T. VCF-style: chr16-28989581-C-T. GRCh37 (hg19) VCF-style: chr16-29000902-C-T.
Other names: c.635C>T, p.Ala212Val (NM_014387.4); c.545C>T, p.Ala182Val (NM_001014988.2); c.656C>T, p.Ala219Val (NM_001014989.2); c.548C>T (NM_001014987.1); c.656C>T (NM_001014989.1); short protein forms A183V, A182V, A212V, A219V.
Identifiers: ClinVar variation 1392238 (VCV001392238.10), dbSNP rs138166678, ClinGen allele CA7990064.